The following is an entry in ClinVar:

NM_004320.6(ATP2A1):c.2620A>G (p.Met874Val)

Gene: ATP2A1 (ATPase sarcoplasmic/endoplasmic reticulum Ca2+ transporting 1; plus strand). Cytogenetic location: 16p11.2.
Variant type: single nucleotide variant.
Coding change: c.2620A>G on transcript NM_004320.6 (MANE Select); coding-DNA position 2620, A replaced by G.
Protein change: p.Met874Val; replaces methionine 874 with valine.
Molecular consequence: missense variant.
Genome position (GRCh38, 1-based): chr16:28,902,787, A>G. VCF-style: chr16-28902787-A-G. GRCh37 (hg19) VCF-style: chr16-28914108-A-G.
Other names: c.2245A>G, p.Met749Val (NM_001286075.2); c.2620A>G, p.Met874Val (NM_173201.5); short protein forms M749V, M874V.
Identifiers: ClinVar variation 1004460 (VCV001004460.9), dbSNP rs1567492184, ClinGen allele CA395415016.

ClinVar aggregate classification (germline): Uncertain significance (1 of 4 stars; one submission).

Conditions:
Brody myopathy. Also called: BRODY DISEASE. Identifiers: Orphanet 53347, MedGen C1832918, MONDO:0010977, OMIM 601003.

Submission:

Labcorp Genetics (formerly Invitae), Labcorp
Classification: Uncertain significance for Brody myopathy. Last evaluated: 2022-02-03. Review status: criteria provided, single submitter. Criteria: Invitae Variant Classification Sherloc (09022015). Collection method: clinical testing. Allele origin: germline.
Comment: In summary, the available evidence is currently insufficient to determine the role of this variant in disease. Therefore, it has been classified as a Variant of Uncertain Significance. Algorithms developed to predict the effect of missense changes on protein structure and function are either unavailable or do not agree on the potential impact of this missense change (SIFT: "Deleterious"; PolyPhen-2: "Probably Damaging"; Align-GVGD: "Class C0"). ClinVar contains an entry for this variant (Variation ID: 1004460). This variant has not been reported in the literature in individuals affected with ATP2A1-related conditions. This variant is not present in population databases (gnomAD no frequency). This sequence change replaces methionine, which is neutral and non-polar, with valine, which is neutral and non-polar, at codon 874 of the ATP2A1 protein (p.Met874Val).